The following is an entry in ClinVar:

ClinVar aggregate classification (germline): Uncertain significance (1 of 4 stars; one submission).

Conditions:
Autosomal dominant nocturnal frontal lobe epilepsy 5. Also called: KCNT1-Related Epilepsy; Epilepsy, nocturnal frontal lobe, 5; CILIARY DYSKINESIA, PRIMARY, 28, WITHOUT SITUS INVERSUS; CILIARY DYSKINESIA, PRIMARY, 28, WITH SITUS INVERSUS. Identifiers: Orphanet 98784, MedGen C3554306, MONDO:0014002, OMIM 615005.
Developmental and epileptic encephalopathy, 14 (DEE14). Also called: Early infantile epileptic encephalopathy 14. Identifiers: Orphanet 293181, MedGen C3554195, MONDO:0013989, OMIM 614959.

Allele frequency attached by ClinVar (database versions not stated): gnomAD exomes 0.00001 and below 0.00001; ExAC 0.00002; gnomAD 0.00002 and 0.00001; TOPMed 0.00002.
gnomAD v4.1: 17 of 1,613,714 alleles (0.0011%); highest among the groups gnomAD compares: South Asian, 0.012%; no homozygotes.

Submission:

Labcorp Genetics (formerly Invitae), Labcorp
Classification: Uncertain significance for Autosomal dominant nocturnal frontal lobe epilepsy 5; Developmental and epileptic encephalopathy, 14. Last evaluated: 2024-11-11. Review status: criteria provided, single submitter. Criteria: Invitae Variant Classification Sherloc (09022015). Collection method: clinical testing. Allele origin: germline.
Comment: This sequence change replaces valine, which is neutral and non-polar, with methionine, which is neutral and non-polar, at codon 905 of the KCNT1 protein (p.Val905Met). This variant is present in population databases (rs761134824, gnomAD 0.003%). This missense change has been observed in individual(s) with autism (PMID: 35982159, 35982160). This variant is also known as 9:135778806:G:A. ClinVar contains an entry for this variant (Variation ID: 1503900). Invitae Evidence Modeling of protein sequence and biophysical properties (such as structural, functional, and spatial information, amino acid conservation, physicochemical variation, residue mobility, and thermodynamic stability) indicates that this missense variant is expected to disrupt KCNT1 protein function with a positive predictive value of 80%. In summary, the available evidence is currently insufficient to determine the role of this variant in disease. Therefore, it has been classified as a Variant of Uncertain Significance.

Literature cited by the submitters: PubMed 35982159; PubMed 35982160.

NM_020822.3(KCNT1):c.2713G>A (p.Val905Met)

Gene: KCNT1 (potassium sodium-activated channel subfamily T member 1; plus strand). Cytogenetic location: 9q34.3.
Variant type: single nucleotide variant.
Coding change: c.2713G>A on transcript NM_020822.3 (MANE Select); coding-DNA position 2713, G replaced by A.
Protein change: p.Val905Met; replaces valine 905 with methionine.
Molecular consequence: missense variant.
Genome position (GRCh38, 1-based): chr9:135,778,806, G>A. VCF-style: chr9-135778806-G-A. GRCh37 (hg19) VCF-style: chr9-138670652-G-A.
Other names: c.2578G>A, p.Val860Met (NM_001272003.2); short protein forms V905M, V860M.
Identifiers: ClinVar variation 1503900 (VCV001503900.8), dbSNP rs761134824, ClinGen allele CA5327397.